The following is an entry in ClinVar:

ClinVar aggregate classification (germline): Pathogenic/Likely pathogenic. Review status: criteria provided, multiple submitters, no conflicts (2 of 4 stars). 2 submissions from 2 submitters: Pathogenic (1); Likely pathogenic (1). Last evaluated 2022-07-04.

Conditions:
Combined immunodeficiency due to LRBA deficiency. Also called: Common variable immunodeficiency 8, with autoimmunity. Identifiers: Orphanet 445018, MedGen C3553512, MONDO:0013863, OMIM 614700.

gnomAD v4.1: 1 of 1,613,820 alleles (0.000062%); highest among the groups gnomAD compares: Non-Finnish European, 0.000085%; no homozygotes.

Submissions (2):

Labcorp Genetics (formerly Invitae), Labcorp
Classification: Pathogenic for Combined immunodeficiency due to LRBA deficiency. Last evaluated: 2022-07-04. Review status: criteria provided, single submitter. Criteria: Invitae Variant Classification Sherloc (09022015). Collection method: clinical testing. Allele origin: germline.
Comment: For these reasons, this variant has been classified as Pathogenic. This variant has not been reported in the literature in individuals affected with LRBA-related conditions. This variant is not present in population databases (gnomAD no frequency). This sequence change creates a premature translational stop signal (p.Trp1968*) in the LRBA gene. It is expected to result in an absent or disrupted protein product. Loss-of-function variants in LRBA are known to be pathogenic (PMID: 26206937, 26768763).

Juno Genomics, Hangzhou Juno Genomics, Inc
Classification: Likely pathogenic for Combined immunodeficiency due to LRBA deficiency. Review status: criteria provided, single submitter. Criteria: ACMG Guidelines, 2015. Collection method: clinical testing. Allele origin: germline.
Comment: Null variant in a gene where loss of function (LOF) is a known mechanism of disease.;Absent from controls (or at extremely low frequency if recessive) in Genome Aggregation Database.

Literature cited by the submitters: PubMed 26206937 (cited by Labcorp Genetics (formerly Invitae), Labcorp); PubMed 26768763 (cited by Labcorp Genetics (formerly Invitae), Labcorp).

NM_001364905.1(LRBA):c.5903G>A (p.Trp1968Ter)

Gene: LRBA (LPS responsive beige-like anchor protein; minus strand). Cytogenetic location: 4q31.3.
Variant type: single nucleotide variant.
Coding change: c.5903G>A on transcript NM_001364905.1 (MANE Select); coding-DNA position 5903, G replaced by A.
Protein change: p.Trp1968Ter; replaces tryptophan 1968 with a stop codon.
Molecular consequence: nonsense.
Genome position (GRCh38, 1-based): chr4:150,683,569, C>T on the plus strand (G>A on the coding strand, the complement: LRBA is on the minus strand). VCF-style: chr4-150683569-C-T. GRCh37 (hg19) VCF-style: chr4-151604721-C-T.
Other names: c.5903G>A, p.Trp1968Ter (NM_001199282.3, NM_001367550.1, NM_006726.5); short protein forms W1968*.
Identifiers: ClinVar variation 1974806 (VCV001974806.7), dbSNP rs1783240643, ClinGen allele CA358610081.